The following is an entry in ClinVar:

NM_001267550.2(TTN):c.26537C>A (p.Thr8846Asn)

Gene: TTN (titin; minus strand). Cytogenetic location: 2q31.2.
Variant type: single nucleotide variant.
Coding change: c.26537C>A on transcript NM_001267550.2 (MANE Select); coding-DNA position 26537, C replaced by A.
Protein change: p.Thr8846Asn; replaces threonine 8846 with asparagine.
Molecular consequence: missense variant. On other transcripts: intron variant (3).
Genome position (GRCh38, 1-based): chr2:178,714,121, G>T on the plus strand (C>A on the coding strand, the complement: TTN is on the minus strand). VCF-style: chr2-178714121-G-T. GRCh37 (hg19) VCF-style: chr2-179578848-G-T.
Other names: p.Thr8529Asn; c.25586C>A, p.Thr8529Asn (NM_001256850.1); c.22805C>A, p.Thr7602Asn (NM_133378.4); c.13282+23961C>A (NM_003319.4); c.13858+23961C>A (NM_133437.4); c.13657+23961C>A (NM_133432.3); short protein forms T7602N, T8529N, T8846N.
Identifiers: ClinVar variation 2682783 (VCV002682783.1), dbSNP rs780494547, ClinGen allele CA1999976.
Genomic context (GRCh38, chr2:178,714,121, plus strand): 5'-TCCTTAAACCACTTAGTACTGAGTTCAGGGGTGCCAGCTACTGTACACTCCAAGGTACAG[G>T]TGTCTCCCGTGGTAACTTTTATGGATTCTGGCTTTTCTACAATTGTTGCAGGCTCTGGAA-3'
Protein context (NP_001254479.2, residues 8836-8856): PESIKVTTGD[Thr8846Asn]CTLECTVAGT

ClinVar aggregate classification (germline): Uncertain significance (1 of 4 stars; one submission).

Allele frequency attached by ClinVar (database versions not stated): ExAC 0.00001; TOPMed 0.00001.

Submission:

Mayo Clinic Laboratories, Mayo Clinic
Classification: Uncertain significance. Last evaluated: 2022-06-29. Review status: criteria provided, single submitter. Criteria: ACMG Guidelines, 2015. Collection method: clinical testing. Allele origin: germline. Observed: 1 variant allele.
Comment: BP4